The following is an entry in ClinVar:

NM_000135.4(FANCA):c.377C>G (p.Thr126Arg)

Gene: FANCA (FA complementation group A; minus strand). Cytogenetic location: 16q24.3.
Variant type: single nucleotide variant.
Coding change: c.377C>G on transcript NM_000135.4 (MANE Select); coding-DNA position 377, C replaced by G.
Protein change: p.Thr126Arg; replaces threonine 126 with arginine.
Molecular consequence: missense variant.
Genome position (GRCh38, 1-based): chr16:89,810,978, G>C on the plus strand (C>G on the coding strand, the complement: FANCA is on the minus strand). VCF-style: chr16-89810978-G-C. GRCh37 (hg19) VCF-style: chr16-89877386-G-C.
Other names: c.377C>G (LRG_495t1, NM_000135.3); c.377C>G, p.Thr126Arg (NM_001018112.3, NM_001286167.3, NM_001351830.2); short protein forms T126R.
Identifiers: ClinVar variation 408185 (VCV000408185.70), dbSNP rs139160837, ClinGen allele CA8253047.
Genomic context (GRCh38, chr16:89,810,978, plus strand): 5'-TGGTGTCTTACTCTCTGCTCCACAGTCAGCAGCACAGGGTGACTGGTCTCCGCTGGAGCC[G>C]TGCAGATCTGTCCCACGCTAGAGGCAACCATCCCGGCTGAGAGAATACCCACGGGAACCC-3'
Protein context (NP_000126.2, residues 116-136): MVASSVGQIC[Thr126Arg]APAETSHPVL

ClinVar aggregate classification (germline): Conflicting classifications of pathogenicity. Review status: criteria provided, conflicting classifications (1 of 4 stars). 13 submissions from 13 submitters: Uncertain significance (6); Benign (1); Likely benign (4). 2 of the submissions do not count toward it. Last evaluated 2026-08-26.

Conditions:
FANCA-related disorder. Also called: FANCA-related condition.
Fanconi anemia (FA). Also called: Fanconi's anemia. Identifiers: Orphanet 84, MedGen C0015625, MeSH D005199, MONDO:0019391.
Fanconi anemia complementation group A (FANCA). Also called: FANCA-Related Fanconi Anemia; Fanconi anemia, group A. Identifiers: Orphanet 84, MedGen C3469521, MONDO:0009215, OMIM 227650.

Allele frequency attached by ClinVar (database versions not stated): TOPMed 0.00027.
gnomAD v4.1: 561 of 1,614,080 alleles (0.035%); highest among the groups gnomAD compares: Non-Finnish European, 0.022%; no homozygotes.

Submissions (13):

PreventionGenetics, part of Exact Sciences
Classification: Likely benign for FANCA-related condition. Last evaluated: 2026-08-26. Review status: criteria provided, single submitter. Criteria: ACMG Guidelines, 2015. Collection method: clinical testing. Allele origin: germline.
Comment: This variant is classified as likely benign based on ACMG/AMP sequence variant interpretation guidelines (Richards et al. 2015 PMID: 25741868, with internal and published modifications).

Labcorp Genetics (formerly Invitae), Labcorp
Classification: Benign for Fanconi anemia. Last evaluated: 2026-02-02. Review status: criteria provided, single submitter. Criteria: Invitae Variant Classification Sherloc (09022015). Collection method: clinical testing. Allele origin: germline.

Quest Diagnostics Nichols Institute San Juan Capistrano
Classification: Likely benign. Last evaluated: 2025-09-08. Review status: criteria provided, single submitter. Criteria: Quest Diagnostics criteria. Collection method: clinical testing. Allele origin: unknown.

St. Jude Molecular Pathology, St. Jude Children's Research Hospital
Classification: Uncertain significance for Fanconi anemia complementation group A. Last evaluated: 2025-06-17. Review status: criteria provided, single submitter. Criteria: St. Jude Assertion Criteria 2020. Collection method: clinical testing. Allele origin: germline.
Comment: The FANCA c.377C>G p.(Thr126Arg) missense change has a maximum founder subpopulation frequency of 0.70% and a maximum non-founder subpopulation frequency of 0.029% in gnomAD v2.1.1. The in silico tool REVEL predicts a benign effect on protein function, but to our knowledge this prediction has not been confirmed by functional studies. To our knowledge, this variant has not been reported in individuals with Fanconi anemia. In summary, the evidence currently available is insufficient to determine the clinical significance of this variant. It has therefore been classified as of uncertain significance.

Blueprint Genetics
Classification: Likely benign. Last evaluated: 2024-11-27. Review status: criteria provided, single submitter. Criteria: ACMG Guidelines, 2015. Collection method: clinical testing. Allele origin: germline.

GeneDx
Classification: Uncertain significance. Last evaluated: 2024-02-07. Review status: criteria provided, single submitter. Criteria: GeneDx Variant Classification Process June 2021. Collection method: clinical testing. Allele origin: germline. Affected: yes.
Comment: Identified in the heterozygous state in two individuals with pancreatic cancer in the published literature, however, familial segregation was not included (PMID: 15591268, 28767289); Identified in the heterozygous state in a healthy volunteer individual (PMID: 24082139); In silico analysis supports that this missense variant does not alter protein structure/function; This variant is associated with the following publications: (PMID: 25525159, 34173971, 15591268, 28767289, 24082139)

Sema4
Classification: Likely benign for Fanconi anemia. Last evaluated: 2020-10-20. Review status: criteria provided, single submitter. Criteria: Sema4 Curation Guidelines. Collection method: curation. Allele origin: germline.

Baylor Genetics
Classification: Uncertain significance for Fanconi anemia complementation group A. Last evaluated: 2020-09-11. Review status: criteria provided, single submitter. Criteria: ACMG Guidelines, 2015. Collection method: clinical testing. Allele origin: unknown. Affected: yes. Study: CSER-TexasKidsCanSeq.
Comment: This variant was determined to be of uncertain significance according to ACMG Guidelines, 2015 [PMID:25741868].

CeGaT Center for Human Genetics Tuebingen
Classification: Uncertain significance. Last evaluated: 2020-03-01. Review status: criteria provided, single submitter. Criteria: CeGaT Center For Human Genetics Tuebingen Variant Classification Criteria Version 2. Collection method: clinical testing. Allele origin: germline. Affected: yes. Observed: 1 variant allele.

Illumina Laboratory Services, Illumina
Classification: Uncertain significance for Fanconi anemia complementation group A. Last evaluated: 2017-04-27. Review status: criteria provided, single submitter. Criteria: ICSL Variant Classification Criteria 13 December 2019. Collection method: clinical testing. Allele origin: germline.
Comment: This variant was observed as part of a predisposition screen in an ostensibly healthy population. A literature search was performed for the gene, cDNA change, and amino acid change (where applicable). Publications were found based on this search. However, the evidence from the literature, in combination with allele frequency data from public databases where available, was not sufficient to rule this variant in or out of causing disease. Therefore, this variant is classified as a variant of unknown significance.

Genetic Services Laboratory, University of Chicago
Classification: Uncertain significance. Last evaluated: 2016-10-14. Review status: criteria provided, single submitter. Criteria: ACMG Guidelines, 2015. Collection method: clinical testing. Allele origin: germline. Affected: no.

Natera, Inc.
Classification: Likely benign for Fanconi anemia. Last evaluated: 2020-01-15. Review status: no assertion criteria provided. Collection method: clinical testing. Allele origin: germline. Not counted in ClinVar's aggregate classification.

Department of Pathology and Laboratory Medicine, Sinai Health System
Classification: Uncertain significance. Review status: no assertion criteria provided. Collection method: clinical testing. Allele origin: unknown. Affected: yes. Study: The Canadian Open Genetics Repository (COGR). Not counted in ClinVar's aggregate classification.
Comment: The FANCA p.Thr126Arg variant was identified in dbSNP (ID: rs139160837), ClinVar (classified as a VUS by Genetic Services Laboratory, University of Chicago and as likely benign by Invitae for Fanconi Anemia) and Cosmic (FATHMM prediction of neutral; score=0.02) but was not identified in LOVD 3.0. The variant was identified in control databases in 112 of 282582 chromosomes at a frequency of 0.000396 increasing the likelihood this could be a low frequency benign variant (Genome Aggregation Database Feb 27, 2017). The variant was observed in the following populations: Ashkenazi Jewish in 72 of 10354 chromosomes (freq: 0.006954), European (non-Finnish) in 38 of 128992 chromosomes (freq: 0.000295) and Other in 2 of 7218 chromosomes (freq: 0.000277); it was not observed in the African, Latino, East Asian, European (Finnish) and South Asian populations. The p.T126R variant was identified in 1/44 cases of familial pancreatic cancer (freq=0.011) but was not identified in 115 controls (Rogers_2004_PMID: 15591268). The variant was also found in 1/417 patients with Fanconi anemia (freq=0.001) along with a BRCA2 mutation (c.8567A>C), however the FANCA p.T126R variant was predicted to be benign (Chandrasekharappa_2017_PMID: 28678401). The variant occurs outside of the splicing consensus sequence however 2 of 4 in silico or computational prediction software programs (SpliceSiteFinder, MaxEntScan) predict the loss of an unreported 3' splice site. The p.Thr126 residue is not conserved in mammals and four out of five computational analyses (PolyPhen-2, SIFT, AlignGVGD, MutationTaster) do not suggest a high likelihood of impact to the protein. In summary, based on the above information the clinical significance of this variant cannot be determined with certainty at this time. This variant is classified as a variant of uncertain significance.

Literature cited by the submitters: PubMed 35348533 (cited by Quest Diagnostics Nichols Institute San Juan Capistrano); PubMed 32659497 (cited by Quest Diagnostics Nichols Institute San Juan Capistrano); PubMed 34173971 (cited by Quest Diagnostics Nichols Institute San Juan Capistrano); PubMed 32546565 (cited by Quest Diagnostics Nichols Institute San Juan Capistrano); PubMed 15591268 (cited by Quest Diagnostics Nichols Institute San Juan Capistrano and Illumina Laboratory Services, Illumina); PubMed 24082139 (cited by Quest Diagnostics Nichols Institute San Juan Capistrano and Illumina Laboratory Services, Illumina); PubMed 28767289 (cited by Quest Diagnostics Nichols Institute San Juan Capistrano); PubMed 32235514 (cited by Quest Diagnostics Nichols Institute San Juan Capistrano).